The following is an entry in ClinVar:

ClinVar aggregate classification (germline): Uncertain significance (1 of 4 stars; one submission).

gnomAD v4.1: 2 of 1,613,682 alleles (0.00012%); highest among the groups gnomAD compares: Non-Finnish European, 0.00017%; no homozygotes.

Submission:

GeneDx
Classification: Uncertain significance. Last evaluated: 2025-03-29. Review status: criteria provided, single submitter. Criteria: GeneDx Variant Classification Process June 2021. Collection method: clinical testing. Allele origin: germline.
Comment: Not observed at significant frequency in large population cohorts (gnomAD); In silico analysis supports that this missense variant has a deleterious effect on protein structure/function; Has not been previously published as pathogenic or benign to our knowledge

NM_003070.5(SMARCA2):c.4424G>C (p.Cys1475Ser)

Gene: SMARCA2 (SWI/SNF related BAF chromatin remodeling complex subunit ATPase 2; plus strand). Cytogenetic location: 9p24.3.
Variant type: single nucleotide variant.
Coding change: c.4424G>C on transcript NM_003070.5 (MANE Select); coding-DNA position 4424, G replaced by C.
Protein change: p.Cys1475Ser; replaces cysteine 1475 with serine.
Molecular consequence: missense variant.
Genome position (GRCh38, 1-based): chr9:2,182,205, G>C. VCF-style: chr9-2182205-G-C. GRCh37 (hg19) VCF-style: chr9-2182205-G-C.
Other names: c.4424G>C, p.Cys1475Ser (NM_001289396.2); c.4196G>C, p.Cys1399Ser (NM_001289397.2); c.398G>C, p.Cys133Ser (NM_001289398.2); c.482G>C, p.Cys161Ser (NM_001289399.2); c.488G>C, p.Cys163Ser (NM_001289400.2); c.4370G>C, p.Cys1457Ser (NM_139045.4); short protein forms C133S, C1399S, C1457S, C1475S, C161S, C163S.
Identifiers: ClinVar variation 3375526 (VCV003375526.2).